The following is an entry in ClinVar:

NM_033026.6(PCLO):c.13381C>T (p.Arg4461Ter)

Gene: PCLO (piccolo presynaptic cytomatrix protein; minus strand). Cytogenetic location: 7q21.11.
Variant type: single nucleotide variant.
Coding change: c.13381C>T on transcript NM_033026.6 (MANE Select); coding-DNA position 13381, C replaced by T.
Protein change: p.Arg4461Ter; replaces arginine 4461 with a stop codon.
Molecular consequence: nonsense.
Genome position (GRCh38, 1-based): chr7:82,908,933, G>A on the plus strand (C>T on the coding strand, the complement: PCLO is on the minus strand). VCF-style: chr7-82908933-G-A. GRCh37 (hg19) VCF-style: chr7-82538249-G-A.
Other names: c.13381C>T, p.Arg4461Ter (NM_014510.3); short protein forms R4461*.
Identifiers: ClinVar variation 1459373 (VCV001459373.6), dbSNP rs765237801, ClinGen allele CA161118041.

ClinVar aggregate classification (germline): Pathogenic (1 of 4 stars; one submission).

Submission:

Labcorp Genetics (formerly Invitae), Labcorp
Classification: Pathogenic. Last evaluated: 2021-02-17. Review status: criteria provided, single submitter. Criteria: Invitae Variant Classification Sherloc (09022015). Collection method: clinical testing. Allele origin: germline.
Comment: This sequence change creates a premature translational stop signal (p.Arg4461*) in the PCLO gene. It is expected to result in an absent or disrupted protein product. Loss-of-function variants in PCLO are known to be pathogenic (PMID: 25832664, 30287594). This variant is not present in population databases (ExAC no frequency). This variant has not been reported in the literature in individuals with PCLO-related conditions. For these reasons, this variant has been classified as Pathogenic.

Literature cited by the submitters: PubMed 25832664; PubMed 30287594.